The following is an entry in ClinVar:

NM_001429.4(EP300):c.1282+1G>A

Gene: EP300 (EP300 lysine acetyltransferase; plus strand). Cytogenetic location: 22q13.2.
Variant type: single nucleotide variant.
Coding change: c.1282+1G>A on transcript NM_001429.4 (MANE Select); the canonical splice donor site of the intron after coding-DNA position 1282, G replaced by A.
Molecular consequence: splice donor variant.
Genome position (GRCh38, 1-based): chr22:41,130,004, G>A. VCF-style: chr22-41130004-G-A. GRCh37 (hg19) VCF-style: chr22-41526008-G-A.
Other names: c.1282+1G>A (NM_001362843.2).
Identifiers: ClinVar variation 2973028 (VCV002973028.7), dbSNP rs2145713819, ClinGen allele CA411685121.
Genomic context (GRCh38, chr22:41,130,004, plus strand): 5'-GACATGATTGTCCTGTGTGTCTCCCCCTCAAAAATGCTGGTGATAAGAGAAATCAACAGC[G>A]TAAGTGATGAAATCTTTTGAAGGTTTATATGAAAAGTTTTAAAGTCTCACCAGTGCCATT-3'

ClinVar aggregate classification (germline): Pathogenic/Likely pathogenic. Review status: criteria provided, multiple submitters, no conflicts (2 of 4 stars). 3 submissions from 3 submitters: Pathogenic (2); Likely pathogenic (1). Last evaluated 2026-04-28.

Conditions:
Rubinstein-Taybi syndrome due to EP300 haploinsufficiency. Also called: EP300-Related Rubinstein-Taybi Syndrome; RUBINSTEIN-TAYBI SYNDROME 2. Identifiers: Orphanet 353284, Orphanet 783, MedGen C3150941, MONDO:0013364, OMIM 613684.

Submissions (4):

GeneDx
Classification: Pathogenic. Last evaluated: 2026-04-28. Review status: criteria provided, single submitter. Criteria: GeneDx Variant Classification Process June 2021. Collection method: clinical testing. Allele origin: germline.
Comment: Canonical splice site variant predicted to result in an in-frame loss of the adjacent exon in a gene for which loss of function is a known mechanism of disease; Not observed at significant frequency in large population cohorts (gnomAD); Has not been previously published as pathogenic or benign to our knowledge

3billion
Classification: Pathogenic for Rubinstein-Taybi syndrome due to EP300 haploinsufficiency. Last evaluated: 2024-07-24. Review status: criteria provided, single submitter. Criteria: ACMG Guidelines, 2015. Collection method: clinical testing. Allele origin: germline. Affected: yes.
Comment: The variant is not observed in the gnomAD v4.0.0 dataset. Predicted Consequence/Location: Canonical splice site: predicted to alter splicing and result in a loss or disruption of normal protein function. Multiple pathogenic loss-of-function variants are reported downstream of the variant. In silico tools predict the variant to alter splicing and produce an abnormal transcript [SpliceAI: 0.99 (spliceogenicity >=0.2, non-spliceogenicity <0.1)]. The variant has been reported to be associated with EP300 related disorder (ClinVar ID: VCV002973028). Therefore, this variant is classified as Pathogenic according to the recommendation of ACMG/AMP guideline.

Labcorp Genetics (formerly Invitae), Labcorp
Classification: Likely pathogenic for Rubinstein-Taybi syndrome due to EP300 haploinsufficiency. Last evaluated: 2024-03-11. Review status: criteria provided, single submitter. Criteria: Invitae Variant Classification Sherloc (09022015). Collection method: clinical testing. Allele origin: germline.
Comment: This sequence change affects a donor splice site in intron 5 of the EP300 gene. It is expected to disrupt RNA splicing. Variants that disrupt the donor or acceptor splice site typically lead to a loss of protein function (PMID: 16199547), and loss-of-function variants in EP300 are known to be pathogenic (PMID: 15706485, 24476420). This variant is not present in population databases (gnomAD no frequency). This variant has not been reported in the literature in individuals affected with EP300-related conditions. Algorithms developed to predict the effect of sequence changes on RNA splicing suggest that this variant may disrupt the consensus splice site. In summary, the currently available evidence indicates that the variant is pathogenic, but additional data are needed to prove that conclusively. Therefore, this variant has been classified as Likely Pathogenic.

Dr. Peter K. Rogan Lab, Western University
No classification provided (evidence only). Condition: Colon adenocarcinoma. Review status: no classification provided. Collection method: in vitro. Allele origin: not applicable. Functional consequence: skipped exon, retained intron. Not counted in ClinVar's aggregate classification.

Literature cited by the submitters: PubMed 16199547 (cited by Labcorp Genetics (formerly Invitae), Labcorp); PubMed 15706485 (cited by Labcorp Genetics (formerly Invitae), Labcorp); PubMed 24476420 (cited by Labcorp Genetics (formerly Invitae), Labcorp).